The following is an entry in ClinVar:

ClinVar aggregate classification (germline): Uncertain significance (1 of 4 stars; one submission).

Conditions:
Hypertrophic cardiomyopathy. Also called: HYPERTROPHIC MYOCARDIOPATHY. Identifiers: Orphanet 217569, MedGen C0007194, MeSH D002312, MONDO:0005045, HP:0001639.

gnomAD v4.1: 1 of 1,613,824 alleles (0.000062%); highest among the groups gnomAD compares: South Asian, 0.0011%; no homozygotes.

Submission:

Labcorp Genetics (formerly Invitae), Labcorp
Classification: Uncertain significance for Hypertrophic cardiomyopathy. Last evaluated: 2024-12-17. Review status: criteria provided, single submitter. Criteria: Invitae Variant Classification Sherloc (09022015). Collection method: clinical testing. Allele origin: germline.
Comment: This sequence change replaces threonine, which is neutral and polar, with isoleucine, which is neutral and non-polar, at codon 1068 of the MYOM1 protein (p.Thr1068Ile). This variant is not present in population databases (gnomAD no frequency). This variant has not been reported in the literature in individuals affected with MYOM1-related conditions. Invitae Evidence Modeling of protein sequence and biophysical properties (such as structural, functional, and spatial information, amino acid conservation, physicochemical variation, residue mobility, and thermodynamic stability) indicates that this missense variant is not expected to disrupt MYOM1 protein function with a negative predictive value of 80%. In summary, the available evidence is currently insufficient to determine the role of this variant in disease. Therefore, it has been classified as a Variant of Uncertain Significance.

NM_003803.4(MYOM1):c.3203C>T (p.Thr1068Ile)

Gene: MYOM1 (myomesin 1; minus strand). Cytogenetic location: 18p11.31.
Variant type: single nucleotide variant.
Coding change: c.3203C>T on transcript NM_003803.4 (MANE Select); coding-DNA position 3203, C replaced by T.
Protein change: p.Thr1068Ile; replaces threonine 1068 with isoleucine.
Molecular consequence: missense variant.
Genome position (GRCh38, 1-based): chr18:3,116,431, G>A on the plus strand (C>T on the coding strand, the complement: MYOM1 is on the minus strand). VCF-style: chr18-3116431-G-A. GRCh37 (hg19) VCF-style: chr18-3116429-G-A.
Other names: c.2915C>T, p.Thr972Ile (NM_019856.2); short protein forms T1068I, T972I.
Identifiers: ClinVar variation 3667965 (VCV003667965.2).